The following is an entry in ClinVar:

NM_004082.5(DCTN1):c.1105C>T (p.Arg369Cys)

Gene: DCTN1 (dynactin subunit 1; minus strand). Cytogenetic location: 2p13.1.
Variant type: single nucleotide variant.
Coding change: c.1105C>T on transcript NM_004082.5 (MANE Select); coding-DNA position 1105, C replaced by T.
Protein change: p.Arg369Cys; replaces arginine 369 with cysteine.
Molecular consequence: missense variant. On other transcripts: non-coding transcript variant (1).
Genome position (GRCh38, 1-based): chr2:74,370,488, G>A on the plus strand (C>T on the coding strand, the complement: DCTN1 is on the minus strand). VCF-style: chr2-74370488-G-A. GRCh37 (hg19) VCF-style: chr2-74597615-G-A.
Other names: c.1045C>T, p.Arg349Cys (NM_001135040.3); c.703C>T, p.Arg235Cys (NM_001135041.3, NM_023019.4); c.994C>T, p.Arg332Cys (NM_001190836.2); c.1084C>T, p.Arg362Cys (NM_001190837.2); c.1054C>T, p.Arg352Cys (NM_001378991.1); c.1036C>T, p.Arg346Cys (NM_001378992.1); short protein forms R352C, R235C, R346C, R362C, R332C, R349C, R369C.
Identifiers: ClinVar variation 1042023 (VCV001042023.10), dbSNP rs149499018, ClinGen allele CA50476947.

ClinVar aggregate classification (germline): Uncertain significance. Review status: criteria provided, multiple submitters, no conflicts (2 of 4 stars). 2 submissions from 2 submitters: Uncertain significance (2). Last evaluated 2023-09-19.

Conditions:
Amyotrophic lateral sclerosis type 1 (ALS1). Also called: AMYOTROPHIC LATERAL SCLEROSIS 1, FAMILIAL. Identifiers: Orphanet 803, MedGen C1862939, MONDO:0007103, OMIM 105400.
Perry syndrome. Also called: PARKINSONISM WITH ALVEOLAR HYPOVENTILATION AND MENTAL DEPRESSION. Identifiers: Orphanet 178509, MedGen C1868594, MONDO:0008201, OMIM 168605.
Neuronopathy, distal hereditary motor, type 7B. Also called: Distal Hereditary Motor Neuronopathy Type 7B (dHMN7B); NEURONOPATHY, DISTAL HEREDITARY MOTOR, HARDING TYPE VIIB; NEUROPATHY, DISTAL HEREDITARY MOTOR, HARDING TYPE VIIB; NEUROPATHY, DISTAL HEREDITARY MOTOR, WITH VOCAL CORD PARALYSIS, HARDING TYPE VIIB; HMN VIIB; LOWER MOTOR NEURON DISEASE, DYNACTIN TYPE. Identifiers: Orphanet 139589, MedGen C1843315, MONDO:0011879, OMIM 607641.

Allele frequency attached by ClinVar (database versions not stated): gnomAD 0.00001; ESP Exome Variant Server 0.00008.
gnomAD v4.1: 1 of 1,614,038 alleles (0.000062%); no homozygotes.

Submissions (2):

Blueprint Genetics
Classification: Uncertain significance. Last evaluated: 2023-09-19. Review status: criteria provided, single submitter. Criteria: ACMG Guidelines, 2015. Collection method: clinical testing. Allele origin: germline.

Labcorp Genetics (formerly Invitae), Labcorp
Classification: Uncertain significance for Amyotrophic lateral sclerosis type 1; Neuronopathy, distal hereditary motor, type 7B; Perry syndrome. Last evaluated: 2022-09-02. Review status: criteria provided, single submitter. Criteria: Invitae Variant Classification Sherloc (09022015). Collection method: clinical testing. Allele origin: germline.
Comment: In summary, the available evidence is currently insufficient to determine the role of this variant in disease. Therefore, it has been classified as a Variant of Uncertain Significance. Algorithms developed to predict the effect of missense changes on protein structure and function (SIFT, PolyPhen-2, Align-GVGD) all suggest that this variant is likely to be disruptive. ClinVar contains an entry for this variant (Variation ID: 1042023). This variant has not been reported in the literature in individuals affected with DCTN1-related conditions. This variant is not present in population databases (gnomAD no frequency). This sequence change replaces arginine, which is basic and polar, with cysteine, which is neutral and slightly polar, at codon 369 of the DCTN1 protein (p.Arg369Cys).